The following is an entry in ClinVar:

ClinVar aggregate classification (germline): Likely benign (0 of 4 stars; one submission).

Conditions:
SP7-related disorder. Also called: SP7-related condition.

Allele frequency attached by ClinVar (database versions not stated): gnomAD 0.00363; 1000 Genomes Project 0.00579.
gnomAD v4.1: 7,536 of 1,336,956 alleles (0.56%); highest among the groups gnomAD compares: South Asian, 1.2%; 56 homozygotes.

Submission:

PreventionGenetics, part of Exact Sciences
Classification: Likely benign for SP7-related condition. Last evaluated: 2022-10-07. Review status: no assertion criteria provided. Collection method: clinical testing. Allele origin: germline.
Comment: This variant is classified as likely benign based on ACMG/AMP sequence variant interpretation guidelines (Richards et al. 2015 PMID: 25741868, with internal and published modifications).

NM_001173467.3(SP7):c.-47-15C>A

Gene: SP7 (Sp7 transcription factor; minus strand). Cytogenetic location: 12q13.13.
Variant type: single nucleotide variant.
Coding change: c.-47-15C>A on transcript NM_001173467.3 (MANE Select); 15 bases into the intron before 47 bases upstream of the start codon, C replaced by A.
Molecular consequence: intron variant. On other transcripts: 5 prime UTR variant (1).
Genome position (GRCh38, 1-based): chr12:53,335,708, G>T on the plus strand (C>A on the coding strand, the complement: SP7 is on the minus strand). VCF-style: chr12-53335708-G-T. GRCh37 (hg19) VCF-style: chr12-53729492-G-T.
Other names: c.-62C>A (NM_152860.2); c.-34+438C>A (NM_001300837.2); c.-47-15C>A (NM_001173467.2).
Identifiers: ClinVar variation 3037889 (VCV003037889.2), dbSNP rs74695556, ClinGen allele CA10633264.